The following is an entry in ClinVar:

ClinVar aggregate classification (germline): Uncertain significance (1 of 4 stars; one submission).

Conditions:
Leigh syndrome (NULS). Also called: Leigh's syndrome; Leigh's necrotizing encephalopathy; Leigh's disease; LEIGH SYNDROME, NUCLEAR; Leigh Syndrome (mtDNA deletion); Leigh Disease. Identifiers: Orphanet 506, MedGen C2931891, MONDO:0009723, OMIM 256000.

Allele frequency attached by ClinVar (database versions not stated): gnomAD exomes 0.00002; TOPMed 0.00002; ExAC 0.00003; gnomAD 0.00005 and 0.00007; ESP Exome Variant Server 0.00008.

Submission:

Labcorp Genetics (formerly Invitae), Labcorp
Classification: Uncertain significance for Leigh syndrome. Last evaluated: 2022-03-18. Review status: criteria provided, single submitter. Criteria: Invitae Variant Classification Sherloc (09022015). Collection method: clinical testing. Allele origin: germline.
Comment: This sequence change replaces arginine, which is basic and polar, with tryptophan, which is neutral and slightly polar, at codon 147 of the SURF1 protein (p.Arg147Trp). This variant is present in population databases (rs151258319, gnomAD 0.02%). This variant has not been reported in the literature in individuals affected with SURF1-related conditions. ClinVar contains an entry for this variant (Variation ID: 847261). Algorithms developed to predict the effect of missense changes on protein structure and function output the following: SIFT: "Deleterious"; PolyPhen-2: "Benign"; Align-GVGD: "Class C0". The tryptophan amino acid residue is found in multiple mammalian species, which suggests that this missense change does not adversely affect protein function. In summary, the available evidence is currently insufficient to determine the role of this variant in disease. Therefore, it has been classified as a Variant of Uncertain Significance.

NM_003172.4(SURF1):c.439C>T (p.Arg147Trp)

Gene: SURF1 (SURF1 cytochrome c oxidase assembly factor; minus strand). Cytogenetic location: 9q34.2.
Variant type: single nucleotide variant.
Coding change: c.439C>T on transcript NM_003172.4 (MANE Select); coding-DNA position 439, C replaced by T.
Protein change: p.Arg147Trp; replaces arginine 147 with tryptophan.
Molecular consequence: missense variant.
Genome position (GRCh38, 1-based): chr9:133,353,825, G>A on the plus strand (C>T on the coding strand, the complement: SURF1 is on the minus strand). VCF-style: chr9-133353825-G-A. GRCh37 (hg19) VCF-style: chr9-136220680-G-A.
Other names: c.112C>T, p.Arg38Trp (NM_001280787.1); short protein forms R147W, R38W.
Identifiers: ClinVar variation 847261 (VCV000847261.5), dbSNP rs151258319, ClinGen allele CA200833015.